The following is an entry in ClinVar:

ClinVar aggregate classification (germline): Pathogenic. Review status: criteria provided, multiple submitters, no conflicts (2 of 4 stars). 3 submissions from 3 submitters: Pathogenic (3). Last evaluated 2024-08-03.

Conditions:
Duchenne muscular dystrophy (DMD). Also called: Duchenne Muscular Dystrophy (DMD); MUSCULAR DYSTROPHY, PSEUDOHYPERTROPHIC PROGRESSIVE, DUCHENNE TYPE. Identifiers: Orphanet 98896, MedGen C0013264, MONDO:0010679, OMIM 310200.
DMD-related disorder. Also called: DMD-related condition.
Becker muscular dystrophy (BMD). Also called: Becker Muscular Dystrophy (BMD); MUSCULAR DYSTROPHY, PSEUDOHYPERTROPHIC PROGRESSIVE, BECKER TYPE. Identifiers: Orphanet 98895, MedGen C0917713, MONDO:0010311, OMIM 300376.
Dilated cardiomyopathy 3B (CMD3B). Also called: CMD3B: DMD-Related Dilated Cardiomyopathy; CARDIOMYOPATHY, DILATED, X-LINKED; DMD-Associated Dilated Cardiomyopathy. Identifiers: Orphanet 154, MedGen C3668940, MONDO:0010542, OMIM 302045.

Submissions (3):

Labcorp Genetics (formerly Invitae), Labcorp
Classification: Pathogenic for Duchenne muscular dystrophy. Last evaluated: 2024-08-03. Review status: criteria provided, single submitter. Criteria: Invitae Variant Classification Sherloc (09022015). Collection method: clinical testing. Allele origin: germline.
Comment: This sequence change creates a premature translational stop signal (p.Glu14Argfs*17) in the DMD gene. It is expected to result in an absent or disrupted protein product. Loss-of-function variants in DMD are known to be pathogenic (PMID: 16770791, 25007885). This variant is not present in population databases (gnomAD no frequency). This premature translational stop signal has been observed in individual(s) with Becker muscular dystrophy (BMD) (PMID: 16770791, 17259292, 19937601). ClinVar contains an entry for this variant (Variation ID: 409931). For these reasons, this variant has been classified as Pathogenic.

Blueprint Genetics
Classification: Pathogenic for DMD-related disorders. Last evaluated: 2024-05-07. Review status: criteria provided, single submitter. Criteria: ACMG Guidelines, 2015. Collection method: clinical testing. Allele origin: germline. Affected: yes. Observed: 1 variant allele.

Juno Genomics, Hangzhou Juno Genomics, Inc
Classification: Pathogenic for Becker muscular dystrophy; Dilated cardiomyopathy 3B; Duchenne muscular dystrophy. Review status: criteria provided, single submitter. Criteria: ACMG Guidelines, 2015. Collection method: clinical testing. Allele origin: germline.
Comment: Absent from controls (or at extremely low frequency if recessive) in Genome Aggregation Database.;Null variant in a gene where loss of function (LOF) is a known mechanism of disease.;The prevalence of the variant in affected individuals is significantly increased compared to the prevalence in controls.;Patient's phenotype or family history is highly specific for a disease with a single genetic etiology.

Literature cited by the submitters: PubMed 16770791 (cited by Labcorp Genetics (formerly Invitae), Labcorp); PubMed 25007885 (cited by Labcorp Genetics (formerly Invitae), Labcorp); PubMed 17259292 (cited by Labcorp Genetics (formerly Invitae), Labcorp); PubMed 19937601 (cited by Labcorp Genetics (formerly Invitae), Labcorp).

NM_004006.3(DMD):c.40_41del (p.Glu14fs)

Gene: DMD (dystrophin; minus strand). Cytogenetic location: Xp21.1.
Variant type: Microsatellite.
Coding change: c.40_41del on transcript NM_004006.3 (MANE Select); coding-DNA positions 40 to 41, 2 bases deleted (GA; older notation c.40_41delGA).
Protein change: p.Glu14fs; shifts the reading frame from glutamic acid 14.
Molecular consequence: frameshift variant. On other transcripts: 5 prime UTR variant (1).
Genome position (GRCh38, 1-based): chrX:33,020,191-33,020,192, TC deleted on the plus strand (GA on the coding strand, the reverse complement: DMD is on the minus strand); deleting any 2 consecutive bases within chrX:33,020,191-33,020,195 gives the same sequence; the c. name uses the placement nearest the transcript's 3' end. VCF-style (leftmost placement, unchanged base first): chrX-33020190-TTC-T. GRCh37 (hg19) VCF-style: chrX-33038307-TTC-T.
Other names: c.40_41delGA (NM_004006.2); c.16_17del, p.Glu6fs (NM_000109.4); c.28_29del, p.Glu10fs (NM_004009.3); c.-332GA[1] (NM_004010.3); short protein forms E6fs, E10fs, E14fs.
Identifiers: ClinVar variation 409931 (VCV000409931.14), dbSNP rs1060502652, ClinGen allele CA16616691.